The following is an entry in ClinVar:

ClinVar aggregate classification (germline): Uncertain significance. Review status: criteria provided, multiple submitters, no conflicts (2 of 4 stars). 2 submissions from 2 submitters: Uncertain significance (2). Last evaluated 2026-02-04.

Conditions:
Catecholaminergic polymorphic ventricular tachycardia 1. Also called: VENTRICULAR TACHYCARDIA, CATECHOLAMINERGIC POLYMORPHIC, 1, WITH OR WITHOUT ATRIAL DYSFUNCTION AND/OR DILATED CARDIOMYOPATHY; RYR2-Related Catecholaminergic Polymorphic Ventricular Tachycardia; VENTRICULAR TACHYCARDIA, STRESS-INDUCED POLYMORPHIC 1. Identifiers: Orphanet 3286, MedGen C1631597, MONDO:0011484, OMIM 604772.

Allele frequency attached by ClinVar (database versions not stated): ESP Exome Variant Server 0.00008; ExAC 0.00001.
gnomAD v4.1: 2 of 1,585,468 alleles (0.00013%); highest among the groups gnomAD compares: East Asian, 0.0022%; no homozygotes.

Submissions (2):

GeneDx
Classification: Uncertain significance. Last evaluated: 2026-02-04. Review status: criteria provided, single submitter. Criteria: GeneDx Variant Classification Process June 2021. Collection method: clinical testing. Allele origin: germline.
Comment: Not observed at significant frequency in large population cohorts (gnomAD); In silico analysis supports that this missense variant has a deleterious effect on protein structure/function; Not located in one of the three hot-spot regions of the RYR2 gene, where the majority of pathogenic missense variants occur (PMID: 19926015); Has not been previously published as pathogenic or benign to our knowledge; This variant is associated with the following publications: (PMID: 19926015)

Labcorp Genetics (formerly Invitae), Labcorp
Classification: Uncertain significance for Catecholaminergic polymorphic ventricular tachycardia 1. Last evaluated: 2025-12-24. Review status: criteria provided, single submitter. Criteria: Invitae Variant Classification Sherloc (09022015). Collection method: clinical testing. Allele origin: germline.
Comment: This sequence change replaces phenylalanine, which is neutral and non-polar, with leucine, which is neutral and non-polar, at codon 2962 of the RYR2 protein (p.Phe2962Leu). The frequency data for this variant in the population databases is considered unreliable, as metrics indicate poor data quality at this position in the gnomAD database. This variant has not been reported in the literature in individuals affected with RYR2-related conditions. ClinVar contains an entry for this variant (Variation ID: 1489710). Invitae Evidence Modeling of protein sequence and biophysical properties (such as structural, functional, and spatial information, amino acid conservation, physicochemical variation, residue mobility, and thermodynamic stability) indicates that this missense variant is expected to disrupt RYR2 protein function with a positive predictive value of 95%. In summary, the available evidence is currently insufficient to determine the role of this variant in disease. Therefore, it has been classified as a Variant of Uncertain Significance.

NM_001035.3(RYR2):c.8886C>A (p.Phe2962Leu)

Gene: RYR2 (ryanodine receptor 2; plus strand). Cytogenetic location: 1q43.
Variant type: single nucleotide variant.
Coding change: c.8886C>A on transcript NM_001035.3 (MANE Select); coding-DNA position 8886, C replaced by A.
Protein change: p.Phe2962Leu; replaces phenylalanine 2962 with leucine.
Molecular consequence: missense variant.
Genome position (GRCh38, 1-based): chr1:237,678,103, C>A. VCF-style: chr1-237678103-C-A. GRCh37 (hg19) VCF-style: chr1-237841403-C-A.
Other names: c.8886C>A (NM_001035.2); short protein forms F2962L.
Identifiers: ClinVar variation 1489710 (VCV001489710.8), dbSNP rs372703473, ClinGen allele CA087758.